The following is an entry in ClinVar:

NM_001035.3(RYR2):c.6458A>G (p.Lys2153Arg)

Gene: RYR2 (ryanodine receptor 2; plus strand). Cytogenetic location: 1q43.
Variant type: single nucleotide variant.
Coding change: c.6458A>G on transcript NM_001035.3 (MANE Select); coding-DNA position 6458, A replaced by G.
Protein change: p.Lys2153Arg; replaces lysine 2153 with arginine.
Molecular consequence: missense variant.
Genome position (GRCh38, 1-based): chr1:237,631,444, A>G. VCF-style: chr1-237631444-A-G. GRCh37 (hg19) VCF-style: chr1-237794744-A-G.
Other names: short protein forms K2153R.
Identifiers: ClinVar variation 918691 (VCV000918691.5), dbSNP rs1680240587, ClinGen allele CA345412213.

ClinVar aggregate classification (germline): Uncertain significance (1 of 4 stars; one submission).

Conditions:
Cardiomyopathy (CMYO). Also called: Cardiomyopathies. Identifiers: Orphanet 167848, MedGen C0878544, MONDO:0004994, HP:0001638. Inheritance: Various modes of inheritance.

Submission:

Color Diagnostics, LLC DBA Color Health
Classification: Uncertain significance for Cardiomyopathy. Last evaluated: 2023-12-05. Review status: criteria provided, single submitter. Criteria: ACMG Guidelines, 2015. Collection method: clinical testing. Allele origin: germline.
Comment: This missense variant replaces lysine with arginine at codon 2153 of the RYR2 protein. Computational prediction tools and conservation analyses are inconclusive regarding the impact of this variant on the protein function. Computational splicing tools suggest that this variant may not impact RNA splicing. To our knowledge, functional assays have not been performed for this variant nor has this variant been reported in individuals affected with cardiovascular disorders in the literature. This variant has not been identified in the general population by the Genome Aggregation Database (gnomAD). Available evidence is insufficient to determine the role of this variant in disease conclusively. Therefore, this variant is classified as a Variant of Uncertain Significance.